The following is an entry in ClinVar:

NM_006254.4(PRKCD):c.44G>C (p.Gly15Ala)

Gene: PRKCD (protein kinase C delta; plus strand). Cytogenetic location: 3p21.1.
Variant type: single nucleotide variant.
Coding change: c.44G>C on transcript NM_006254.4 (MANE Select); coding-DNA position 44, G replaced by C.
Protein change: p.Gly15Ala; replaces glycine 15 with alanine.
Molecular consequence: missense variant.
Genome position (GRCh38, 1-based): chr3:53,178,466, G>C. VCF-style: chr3-53178466-G-C. GRCh37 (hg19) VCF-style: chr3-53212482-G-C.
Other names: c.44G>C, p.Gly15Ala (NM_001316327.2, NM_001354679.2, NM_001354680.2 and 1 more transcripts); c.101G>C, p.Gly34Ala (NM_001354676.2); c.92G>C, p.Gly31Ala (NM_001354678.2); short protein forms G15A, G31A, G34A.
Identifiers: ClinVar variation 1017548 (VCV001017548.2), dbSNP rs369358922, ClinGen allele CA2451626.
Genomic context (GRCh38, chr3:53,178,466, plus strand): 5'-CCACTGCAGGCCCCACCATGGCGCCGTTCCTGCGCATCGCCTTCAACTCCTATGAGCTGG[G>C]CTCCCTGCAGGCCGAGGACGAGGCGAACCAGCCCTTCTGTGCCGTGAAGATGAAGGAGGC-3'
Protein context (NP_006245.2, residues 5-25): LRIAFNSYEL[Gly15Ala]SLQAEDEANQ

ClinVar aggregate classification (germline): Uncertain significance (1 of 4 stars; one submission).

Conditions:
Autoimmune lymphoproliferative syndrome, type III caused by mutation in PRKCD. Identifiers: Orphanet 3261, Orphanet 664711, MedGen C3809928, MONDO:8000024, OMIM 615559.

Allele frequency attached by ClinVar (database versions not stated): ExAC 0.00002; gnomAD exomes 0.00002 and 0.00004; ESP Exome Variant Server 0.00008.
gnomAD v4.1: 10 of 1,612,936 alleles (0.00062%); highest among the groups gnomAD compares: Admixed American, 0.017%; no homozygotes.

Submission:

Labcorp Genetics (formerly Invitae), Labcorp
Classification: Uncertain significance for Autoimmune lymphoproliferative syndrome, type III caused by mutation in PRKCD. Last evaluated: 2021-08-27. Review status: criteria provided, single submitter. Criteria: Invitae Variant Classification Sherloc (09022015). Collection method: clinical testing. Allele origin: germline.
Comment: This sequence change replaces glycine with alanine at codon 15 of the PRKCD protein (p.Gly15Ala). The glycine residue is highly conserved and there is a small physicochemical difference between glycine and alanine. This variant is present in population databases (rs369358922, ExAC 0.02%). This variant has not been reported in the literature in individuals affected with PRKCD-related conditions. Algorithms developed to predict the effect of missense changes on protein structure and function are either unavailable or do not agree on the potential impact of this missense change (SIFT: "Deleterious"; PolyPhen-2: "Probably Damaging"; Align-GVGD: "Class C0"). In summary, the available evidence is currently insufficient to determine the role of this variant in disease. Therefore, it has been classified as a Variant of Uncertain Significance.